The following is an entry in ClinVar:

NM_016464.5(TMEM138):c.-24G>A

Gene: TMEM138 (transmembrane protein 138; plus strand). Cytogenetic location: 11q12.2.
Variant type: single nucleotide variant.
Coding change: c.-24G>A on transcript NM_016464.5 (MANE Select); 24 bases upstream of the start codon, G replaced by A.
Molecular consequence: 5 prime UTR variant. On other transcripts: intron variant (1).
Genome position (GRCh38, 1-based): chr11:61,364,367, G>A. VCF-style: chr11-61364367-G-A. GRCh37 (hg19) VCF-style: chr11-61131839-G-A.
Other names: c.-47+52G>A (NM_001330281.2).
Identifiers: ClinVar variation 305060 (VCV000305060.5), dbSNP rs116455434, ClinGen allele CA6034493.
Genomic context (GRCh38, chr11:61,364,367, plus strand): 5'-CCCTCAGTGGTAGGGAGACAGCCAGGAGCGGTTTTCTGGGAACTGTGGGATGTGCCCTTG[G>A]GGGCCCGAGAAAACAGAAGGAAGATGCTCCAGACCAGTAACTACAGCCTGGTGCTCTCTC-3'

ClinVar aggregate classification (germline): Benign. Review status: criteria provided, multiple submitters, no conflicts (2 of 4 stars). 2 submissions from 2 submitters: Benign (2). Last evaluated 2018-01-13.

Conditions:
Joubert syndrome 16 (JBTS16). Identifiers: Orphanet 2318, MedGen C3280906, MONDO:0013764, OMIM 614465.

Allele frequency attached by ClinVar (database versions not stated): gnomAD exomes 0.00078 and 0.00241; ExAC 0.00284; gnomAD 0.00863 and 0.00930; 1000 Genomes Project 0.00998; TOPMed 0.01025; ESP Exome Variant Server 0.01069; 1000 Genomes Project 30x 0.01093.
gnomAD v4.1: 2,566 of 1,613,008 alleles (0.16%); highest among the groups gnomAD compares: African/African-American, 2.9%; 47 homozygotes.

Submissions (2):

Illumina Laboratory Services, Illumina
Classification: Benign for Joubert syndrome 16. Last evaluated: 2018-01-13. Review status: criteria provided, single submitter. Criteria: ICSL Variant Classification Criteria 13 December 2019. Collection method: clinical testing. Allele origin: germline.
Comment: This variant was observed in the ICSL laboratory as part of a predisposition screen in an ostensibly healthy population. It had not been previously curated by ICSL or reported in the Human Gene Mutation Database (HGMD: prior to June 1st, 2018), and was therefore a candidate for classification through an automated scoring system. Utilizing variant allele frequency, disease prevalence and penetrance estimates, and inheritance mode, an automated score was calculated to assess if this variant is too frequent to cause the disease. Based on the score and internal cut-off values, a variant classified as benign is not then subjected to further curation. The score for this variant resulted in a classification of benign for this disease.

GeneDx
Classification: Benign. Last evaluated: 2016-08-08. Review status: criteria provided, single submitter. Criteria: GeneDx Variant Classification (06012015). Collection method: clinical testing. Allele origin: germline. Affected: yes.
Comment: This variant is considered likely benign or benign based on one or more of the following criteria: it is a conservative change, it occurs at a poorly conserved position in the protein, it is predicted to be benign by multiple in silico algorithms, and/or has population frequency not consistent with disease.